The following is an entry in ClinVar:

NM_022124.6(CDH23):c.4390G>A (p.Ala1464Thr)

Gene: CDH23 (cadherin related 23; plus strand). Cytogenetic location: 10q22.1.
Variant type: single nucleotide variant.
Coding change: c.4390G>A on transcript NM_022124.6 (MANE Select); coding-DNA position 4390, G replaced by A.
Protein change: p.Ala1464Thr; replaces alanine 1464 with threonine.
Molecular consequence: missense variant.
Genome position (GRCh38, 1-based): chr10:71,739,674, G>A. VCF-style: chr10-71739674-G-A. GRCh37 (hg19) VCF-style: chr10-73499431-G-A.
Other names: short protein forms A1464T.
Identifiers: ClinVar variation 300433 (VCV000300433.6), dbSNP rs756674688, ClinGen allele CA5545036.

ClinVar aggregate classification (germline): Uncertain significance. Review status: criteria provided, multiple submitters, no conflicts (2 of 4 stars). 3 submissions from 2 submitters: Uncertain significance (3). Last evaluated 2022-02-08.

Conditions:
Usher syndrome type 1D (USH1D). Also called: USHER SYNDROME, TYPE ID. Identifiers: Orphanet 231169, Orphanet 886, MedGen C1832845, MONDO:0010984, OMIM 601067.
Autosomal recessive nonsyndromic hearing loss 12. Also called: DEAFNESS, AUTOSOMAL RECESSIVE 12. Identifiers: Orphanet 90636, MedGen C1832394, MONDO:0011067, OMIM 601386.

Allele frequency attached by ClinVar (database versions not stated): TOPMed 0.00002.
gnomAD v4.1: 32 of 1,613,008 alleles (0.002%); highest among the groups gnomAD compares: Admixed American, 0.0033%; no homozygotes.

Submissions (3):

Labcorp Genetics (formerly Invitae), Labcorp
Classification: Uncertain significance. Last evaluated: 2022-02-08. Review status: criteria provided, single submitter. Criteria: Invitae Variant Classification Sherloc (09022015). Collection method: clinical testing. Allele origin: germline.
Comment: This sequence change replaces alanine, which is neutral and non-polar, with threonine, which is neutral and polar, at codon 1464 of the CDH23 protein (p.Ala1464Thr). This variant is present in population databases (rs756674688, gnomAD 0.006%). This variant has not been reported in the literature in individuals affected with CDH23-related conditions. ClinVar contains an entry for this variant (Variation ID: 300433). Algorithms developed to predict the effect of missense changes on protein structure and function are either unavailable or do not agree on the potential impact of this missense change (SIFT: "Deleterious"; PolyPhen-2: "Not Available"; Align-GVGD: "Class C0"). In summary, the available evidence is currently insufficient to determine the role of this variant in disease. Therefore, it has been classified as a Variant of Uncertain Significance.

Illumina Laboratory Services, Illumina
Classification: Uncertain significance for Autosomal recessive nonsyndromic hearing loss 12. Last evaluated: 2018-01-12. Review status: criteria provided, single submitter. Criteria: ICSL Variant Classification Criteria 13 December 2019. Collection method: clinical testing. Allele origin: germline.

Illumina Laboratory Services, Illumina
Classification: Uncertain significance for Usher syndrome type 1D. Last evaluated: 2018-01-12. Review status: criteria provided, single submitter. Criteria: ICSL Variant Classification Criteria 13 December 2019. Collection method: clinical testing. Allele origin: germline.